The following is an entry in ClinVar:

NM_000059.4(BRCA2):c.8243del (p.Gly2748fs)

Gene: BRCA2 (BRCA2 DNA repair associated; plus strand). Cytogenetic location: 13q13.1.
Variant type: Deletion.
Coding change: c.8243del on transcript NM_000059.4 (MANE Select); coding-DNA position 8243, one base deleted (G; older notation c.8243delG).
Protein change: p.Gly2748fs; shifts the reading frame from glycine 2748.
Molecular consequence: frameshift variant. On other transcripts: non-coding transcript variant (1).
Genome position (GRCh38, 1-based): chr13:32,363,445, G deleted; the last of 2 consecutive G bases (chr13:32,363,444-32,363,445); deleting either gives the same sequence. VCF-style (leftmost placement, unchanged base first): chr13-32363443-TG-T. GRCh37 (hg19) VCF-style: chr13-32937580-TG-T.
Other names: c.8147del, p.Gly2716fs (NM_001406719.1); c.8243del, p.Gly2748fs (NM_001406720.1, NM_001432077.1); c.3311del, p.Gly1104fs (NM_001406721.1); c.1826del, p.Gly609fs (NM_001406722.1); short protein forms G2748fs, G609fs, G1104fs, G2716fs.
Identifiers: ClinVar variation 4838678 (VCV004838678.1).

ClinVar aggregate classification (germline): Pathogenic (1 of 4 stars; one submission).

Conditions:
Hereditary cancer-predisposing syndrome. Also called: Neoplastic Syndromes, Hereditary; Tumor predisposition; Hereditary Cancer Syndrome; Hereditary neoplastic syndrome. Identifiers: Orphanet 140162, MedGen C0027672, MeSH D009386, MONDO:0015356.

Submission:

Ambry Genetics
Classification: Pathogenic for Hereditary cancer-predisposing syndrome. Last evaluated: 2026-01-13. Review status: criteria provided, single submitter. Criteria: Ambry Variant Classification Scheme 2023. Collection method: clinical testing. Allele origin: germline.
Comment: The c.8243delG (p.G2748Vfs*29) alteration, located in exon 18 (coding exon 17) of the BRCA2 gene, consists of a deletion of one nucleotide at position 8243, causing a translational frameshift with a predicted alternate stop codon after 29 amino acids. This alteration is expected to result in loss of function by premature protein truncation or nonsense-mediated mRNA decay. This variant was not reported in population-based cohorts in the Genome Aggregation Database (gnomAD). Based on the available evidence, this alteration is classified as pathogenic.